The following is an entry in ClinVar:

ClinVar aggregate classification (germline): Pathogenic (0 of 4 stars; one submission).

Conditions:
Autism (AUTS). Also called: Autistic disorder of childhood onset; Autistic disorder. Identifiers: MedGen C0004352, MeSH D001321, MONDO:0005260, OMIM 209850, HP:0000717.

Submission:

Centre for Addiction & Mental Health
Classification: Pathogenic for Autism. Review status: no assertion criteria provided. Collection method: research. Allele origin: biparental. Affected: yes. Observed: 1 homozygote. Segregation with disease observed.
Comment: Biallelic loss-of-function variant in known disease gene

NM_001040616.3(LINS1):c.1116del (p.Glu372fs)

Gene: LINS1 (lines homolog 1; minus strand). Cytogenetic location: 15q26.3.
Variant type: Deletion.
Coding change: c.1116del on transcript NM_001040616.3 (MANE Select); coding-DNA position 1116, one base deleted (A; older notation c.1116delA).
Protein change: p.Glu372fs; shifts the reading frame from glutamic acid 372.
Molecular consequence: frameshift variant. On other transcripts: non-coding transcript variant (3).
Genome position (GRCh38, 1-based): chr15:100,573,757, T deleted on the plus strand (A on the coding strand, the reverse complement: LINS1 is on the minus strand); the first of 2 consecutive T bases (chr15:100,573,757-100,573,758); deleting either gives the same sequence. VCF-style (leftmost placement, unchanged base first): chr15-100573756-GT-G. GRCh37 (hg19) VCF-style: chr15-101113961-GT-G.
Other names: c.369del, p.Glu123fs (NM_001352507.2); c.1071del, p.Glu357fs (NM_001352508.2); c.1116delA (NM_001040616.3); short protein forms E123fs, E357fs, E372fs.
Identifiers: ClinVar variation 3338206 (VCV003338206.2).